The following is an entry in ClinVar:

ClinVar aggregate classification (germline): Uncertain significance (1 of 4 stars; one submission).

gnomAD v4.1: 3 of 1,612,308 alleles (0.00019%); highest among the groups gnomAD compares: South Asian, 0.0022%; no homozygotes.

Submission:

Labcorp Genetics (formerly Invitae), Labcorp
Classification: Uncertain significance. Last evaluated: 2024-11-08. Review status: criteria provided, single submitter. Criteria: Invitae Variant Classification Sherloc (09022015). Collection method: clinical testing. Allele origin: germline.
Comment: This sequence change replaces valine, which is neutral and non-polar, with methionine, which is neutral and non-polar, at codon 447 of the ARHGEF1 protein (p.Val447Met). This variant is not present in population databases (gnomAD no frequency). This variant has not been reported in the literature in individuals affected with ARHGEF1-related conditions. An algorithm developed to predict the effect of missense changes on protein structure and function (PolyPhen-2) suggests that this variant is likely to be disruptive. In summary, the available evidence is currently insufficient to determine the role of this variant in disease. Therefore, it has been classified as a Variant of Uncertain Significance.

NM_004706.4(ARHGEF1):c.1294G>A (p.Val432Met)

Gene: ARHGEF1 (Rho guanine nucleotide exchange factor 1; plus strand). Cytogenetic location: 19q13.2.
Variant type: single nucleotide variant.
Coding change: c.1294G>A on transcript NM_004706.4 (MANE Select); coding-DNA position 1294, G replaced by A.
Protein change: p.Val432Met; replaces valine 432 with methionine.
Molecular consequence: missense variant. On other transcripts: non-coding transcript variant (2).
Genome position (GRCh38, 1-based): chr19:41,901,913, G>A. VCF-style: chr19-41901913-G-A. GRCh37 (hg19) VCF-style: chr19-42406063-G-A.
Other names: c.1462G>A, p.Val488Met (NM_001396000.1); c.1195G>A, p.Val399Met (NM_001396002.1, NM_001396004.1, NM_198977.2); c.1294G>A, p.Val432Met (NM_001396003.1, NM_001396006.1); c.1339G>A, p.Val447Met (NM_199002.2); short protein forms V399M, V432M, V447M, V488M.
Identifiers: ClinVar variation 3625764 (VCV003625764.2).